The following is an entry in ClinVar:

ClinVar aggregate classification (germline): Uncertain significance. Review status: criteria provided, multiple submitters, no conflicts (2 of 4 stars). 2 submissions from 2 submitters: Uncertain significance (2). Last evaluated 2025-07-15.

Conditions:
Inborn genetic diseases. Identifiers: MedGen C0950123, MeSH D030342.
Episodic ataxia type 1 (EA1). Also called: PAROXYSMAL ATAXIA WITH NEUROMYOTONIA, HEREDITARY; ATAXIA, EPISODIC, WITH MYOKYMIA; Episodic ataxia/myokymia syndrome; MYOKYMIA WITH PERIODIC ATAXIA. Identifiers: Orphanet 37612, Orphanet 972, MedGen C1719788, MONDO:0008047, OMIM 160120.

Allele frequency attached by ClinVar (database versions not stated): ExAC 0.00001; ESP Exome Variant Server 0.00008.

Submissions (2):

Ambry Genetics
Classification: Uncertain significance for Inborn genetic diseases. Last evaluated: 2025-07-15. Review status: criteria provided, single submitter. Criteria: Ambry Variant Classification Scheme 2023. Collection method: clinical testing. Allele origin: germline.

Labcorp Genetics (formerly Invitae), Labcorp
Classification: Uncertain significance for Episodic ataxia type 1. Last evaluated: 2024-01-08. Review status: criteria provided, single submitter. Criteria: Invitae Variant Classification Sherloc (09022015). Collection method: clinical testing. Allele origin: germline.
Comment: This sequence change replaces histidine, which is basic and polar, with arginine, which is basic and polar, at codon 467 of the KCNA1 protein (p.His467Arg). This variant is present in population databases (rs368829607, gnomAD 0.002%). This variant has not been reported in the literature in individuals affected with KCNA1-related conditions. ClinVar contains an entry for this variant (Variation ID: 1376840). Advanced modeling of protein sequence and biophysical properties (such as structural, functional, and spatial information, amino acid conservation, physicochemical variation, residue mobility, and thermodynamic stability) performed at Invitae indicates that this missense variant is not expected to disrupt KCNA1 protein function with a negative predictive value of 95%. In summary, the available evidence is currently insufficient to determine the role of this variant in disease. Therefore, it has been classified as a Variant of Uncertain Significance.

NM_000217.3(KCNA1):c.1400A>G (p.His467Arg)

Gene: KCNA1 (potassium voltage-gated channel subfamily A member 1; plus strand). Cytogenetic location: 12p13.32.
Variant type: single nucleotide variant.
Coding change: c.1400A>G on transcript NM_000217.3 (MANE Select); coding-DNA position 1400, A replaced by G.
Protein change: p.His467Arg; replaces histidine 467 with arginine.
Molecular consequence: missense variant.
Genome position (GRCh38, 1-based): chr12:4,912,778, A>G. VCF-style: chr12-4912778-A-G. GRCh37 (hg19) VCF-style: chr12-5021944-A-G.
Other names: c.1400A>G (NM_000217.2); short protein forms H467R.
Identifiers: ClinVar variation 1376840 (VCV001376840.9), dbSNP rs368829607, ClinGen allele CA6399501.